The following is an entry in ClinVar:

ClinVar aggregate classification (germline): Pathogenic. Review status: criteria provided, multiple submitters, no conflicts (2 of 4 stars). 2 submissions from 2 submitters: Pathogenic (2). Last evaluated 2025-11-24.

Conditions:
Carnitine palmitoyltransferase II deficiency. Also called: Carnitine Palmitoyltransferase 2 Deficiency. Identifiers: Orphanet 157, MedGen C0342790, MONDO:0015515.
Encephalopathy, acute, infection-induced, susceptibility to, 4. Identifiers: Orphanet 263524, MedGen C3280160, MONDO:0013633, OMIM 614212.

Submissions (2):

Labcorp Genetics (formerly Invitae), Labcorp
Classification: Pathogenic for Carnitine palmitoyltransferase II deficiency. Last evaluated: 2025-11-24. Review status: criteria provided, single submitter. Criteria: Invitae Variant Classification Sherloc (09022015). Collection method: clinical testing. Allele origin: germline.
Comment: This sequence change creates a premature translational stop signal (p.Ser86Phefs*2) in the CPT2 gene. It is expected to result in an absent or disrupted protein product. Loss-of-function variants in CPT2 are known to be pathogenic (PMID: 16781677, 16996287). This variant is not present in population databases (gnomAD no frequency). This premature translational stop signal has been observed in individual(s) with carnitine palmitoyltransferase II deficiency (PMID: 16996287). This variant is also known as p.Ser86fs. ClinVar contains an entry for this variant (Variation ID: 856230). For these reasons, this variant has been classified as Pathogenic.

Baylor Genetics
Classification: Pathogenic for Encephalopathy, acute, infection-induced, susceptibility to, 4. Last evaluated: 2024-02-26. Review status: criteria provided, single submitter. Criteria: ACMG Guidelines, 2015. Collection method: clinical testing. Allele origin: unknown.

Literature cited by the submitters: PubMed 16781677 (cited by Labcorp Genetics (formerly Invitae), Labcorp); PubMed 16996287 (cited by Labcorp Genetics (formerly Invitae), Labcorp).

NM_000098.3(CPT2):c.256_257del (p.Ser86fs)

Gene: CPT2 (carnitine palmitoyltransferase 2; plus strand). Cytogenetic location: 1p32.3.
Variant type: Microsatellite.
Coding change: c.256_257del on transcript NM_000098.3 (MANE Select); coding-DNA positions 256 to 257, 2 bases deleted (AG; older notation c.256_257delAG).
Protein change: p.Ser86fs; shifts the reading frame from serine 86.
Molecular consequence: frameshift variant.
Genome position (GRCh38, 1-based): chr1:53,202,345-53,202,346, AG deleted; deleting any 2 consecutive bases within chr1:53,202,343-53,202,346 gives the same sequence; the c. name uses the placement nearest the transcript's 3' end. VCF-style (leftmost placement, unchanged base first): chr1-53202342-AAG-A. GRCh37 (hg19) VCF-style: chr1-53668014-AAG-A.
Other names: c.256_257del, p.Ser86fs (NM_001330589.2); short protein forms S86fs.
Identifiers: ClinVar variation 856230 (VCV000856230.10), dbSNP rs1645359135, ClinGen allele CA916082031.